The following is an entry in ClinVar:

NM_001330311.2(DVL1):c.296A>G (p.His99Arg)

Gene: DVL1 (dishevelled segment polarity protein 1; minus strand). Cytogenetic location: 1p36.33.
Variant type: single nucleotide variant.
Coding change: c.296A>G on transcript NM_001330311.2 (MANE Select); coding-DNA position 296, A replaced by G.
Protein change: p.His99Arg; replaces histidine 99 with arginine.
Molecular consequence: missense variant.
Genome position (GRCh38, 1-based): chr1:1,342,429, T>C on the plus strand (A>G on the coding strand, the complement: DVL1 is on the minus strand). VCF-style: chr1-1342429-T-C. GRCh37 (hg19) VCF-style: chr1-1277809-T-C.
Other names: c.296A>G, p.His99Arg (NM_004421.3); c.296A>G (NM_004421.2); short protein forms H99R.
Identifiers: ClinVar variation 2068408 (VCV002068408.5), dbSNP rs2523207028, ClinGen allele CA337875988.

ClinVar aggregate classification (germline): Uncertain significance. Review status: criteria provided, multiple submitters, no conflicts (2 of 4 stars). 2 submissions from 2 submitters: Uncertain significance (2). Last evaluated 2024-03-06.

Allele frequency attached by ClinVar (database versions not stated): gnomAD exomes below 0.00001.
gnomAD v4.1: 1 of 1,598,632 alleles (0.000063%); highest among the groups gnomAD compares: Non-Finnish European, 0.000085%; no homozygotes.

Submissions (2):

GeneDx
Classification: Uncertain significance. Last evaluated: 2024-03-06. Review status: criteria provided, single submitter. Criteria: GeneDx Variant Classification Process June 2021. Collection method: clinical testing. Allele origin: germline. Affected: yes.
Comment: Not observed at significant frequency in large population cohorts (gnomAD); In silico analysis supports that this missense variant does not alter protein structure/function; Has not been previously published as pathogenic or benign to our knowledge

Labcorp Genetics (formerly Invitae), Labcorp
Classification: Uncertain significance. Last evaluated: 2022-04-19. Review status: criteria provided, single submitter. Criteria: Invitae Variant Classification Sherloc (09022015). Collection method: clinical testing. Allele origin: germline.
Comment: Algorithms developed to predict the effect of missense changes on protein structure and function are either unavailable or do not agree on the potential impact of this missense change (SIFT: "Tolerated"; PolyPhen-2: "Possibly Damaging"; Align-GVGD: "Class C0"). In summary, the available evidence is currently insufficient to determine the role of this variant in disease. Therefore, it has been classified as a Variant of Uncertain Significance. This variant has not been reported in the literature in individuals affected with DVL1-related conditions. This variant is not present in population databases (gnomAD no frequency). This sequence change replaces histidine, which is basic and polar, with arginine, which is basic and polar, at codon 99 of the DVL1 protein (p.His99Arg).